The following is an entry in ClinVar:

NM_001278116.2(L1CAM):c.1485C>G (p.Tyr495Ter)

Gene: L1CAM (L1 cell adhesion molecule; minus strand). Cytogenetic location: Xq28.
Variant type: single nucleotide variant.
Coding change: c.1485C>G on transcript NM_001278116.2 (MANE Select); coding-DNA position 1485, C replaced by G.
Protein change: p.Tyr495Ter; replaces tyrosine 495 with a stop codon.
Molecular consequence: nonsense.
Genome position (GRCh38, 1-based): chrX:153,868,622, G>C on the plus strand (C>G on the coding strand, the complement: L1CAM is on the minus strand). VCF-style: chrX-153868622-G-C. GRCh37 (hg19) VCF-style: chrX-153134077-G-C.
Other names: c.1485C>G, p.Tyr495Ter (NM_000425.5, NM_024003.3); c.1470C>G, p.Tyr490Ter (NM_001143963.2); short protein forms Y495*, Y490*.
Identifiers: ClinVar variation 430438 (VCV000430438.2), dbSNP rs1131691964, ClinGen allele CA415125842.

ClinVar aggregate classification (germline): Pathogenic (1 of 4 stars; one submission).

Submission:

GeneDx
Classification: Pathogenic. Last evaluated: 2018-06-15. Review status: criteria provided, single submitter. Criteria: GeneDx Variant Classification (06012015). Collection method: clinical testing. Allele origin: germline. Affected: yes.
Comment: The Y495X nonsense variant in the L1CAM gene is predicted to cause loss of normal protein function either through protein truncation or nonsense-mediated mRNA decay. The Y495X variant is not observed in large population cohorts (Lek et al., 2016; 1000 Genomes Consortium et al., 2015; Exome Variant Server). Although this pathogenic variant has not been reported previously to our knowledge, its presence is consistent with the diagnosis of X-linked hydrocephalus